The following is an entry in ClinVar:

ClinVar aggregate classification (germline): Uncertain significance (1 of 4 stars; one submission).

Conditions:
Hereditary cancer-predisposing syndrome. Also called: Hereditary Cancer Syndrome; Hereditary neoplastic syndrome; Neoplastic Syndromes, Hereditary; Tumor predisposition. Identifiers: Orphanet 140162, MedGen C0027672, MeSH D009386, MONDO:0015356.

Submission:

Ambry Genetics
Classification: Uncertain significance for Hereditary cancer-predisposing syndrome. Last evaluated: 2025-08-20. Review status: criteria provided, single submitter. Criteria: Ambry Variant Classification Scheme 2023. Collection method: clinical testing. Allele origin: germline.
Comment: The c.762_767dupCCTCTC variant (also known as p.L255_S256dup), located in coding exon 2 of the HOXB13 gene, results from an in-frame duplication of CCTCTC at nucleotide positions 762 to 767. This results in the duplication of 2 extra residues (LS) between codons 255 and 256. These amino acid positions are highly conserved in available vertebrate species. In addition, this variant is predicted to be deleterious by in silico analysis (Choi Y et al. PLoS ONE. 2012; 7(10):e46688). Based on the available evidence, the clinical significance of this variant remains unclear.

NM_006361.6(HOXB13):c.762_767dup (p.Ser256_Glu257insLeuSer)

Gene: HOXB13 (homeobox B13; minus strand). Cytogenetic location: 17q21.32.
Variant type: Duplication.
Coding change: c.762_767dup on transcript NM_006361.6 (MANE Select); coding-DNA positions 762 to 767, 6 bases duplicated (CCTCTC; older notation c.762_767dupCCTCTC).
Protein change: p.Ser256_Glu257insLeuSer.
Molecular consequence: inframe indel (on NM_006361.5).
Genome position (GRCh38, 1-based): chr17:48,726,878-48,726,883, GAGAGG duplicated on the plus strand (CCTCTC on the coding strand, the reverse complement: HOXB13 is on the minus strand). VCF-style (leftmost placement, unchanged base first): chr17-48726877-C-CGAGAGG. GRCh37 (hg19) VCF-style: chr17-46804239-C-CGAGAGG.
Other names: c.762_767dupCCTCTC (NM_006361.5).
Identifiers: ClinVar variation 4271776 (VCV004271776.1).